The following is an entry in ClinVar:

NM_001271.4(CHD2):c.5123A>C (p.Asp1708Ala)

Gene: CHD2 (chromodomain helicase DNA binding protein 2; plus strand). Cytogenetic location: 15q26.1.
Variant type: single nucleotide variant.
Coding change: c.5123A>C on transcript NM_001271.4 (MANE Select); coding-DNA position 5123, A replaced by C.
Protein change: p.Asp1708Ala; replaces aspartic acid 1708 with alanine.
Molecular consequence: missense variant.
Genome position (GRCh38, 1-based): chr15:93,020,228, A>C. VCF-style: chr15-93020228-A-C. GRCh37 (hg19) VCF-style: chr15-93563458-A-C.
Other names: short protein forms D1708A.
Identifiers: ClinVar variation 5019214 (VCV005019214.2).
Genomic context (GRCh38, chr15:93,020,228, plus strand): 5'-GCTATCGACCCAACAACATGTCCAGAAAGAGGCCTTATGACCAGTACAGCAGTGACCGAG[A>C]CCACCGGGGACACAGAGATTATTATGACAGGTATGCAAAAGGCTGTGAGACACCAGGTGC-3'
Protein context (NP_001262.3, residues 1698-1718): RPYDQYSSDR[Asp1708Ala]HRGHRDYYDR

ClinVar aggregate classification (germline): Uncertain significance (1 of 4 stars; one submission).

Conditions:
Developmental and epileptic encephalopathy 94 (DEE94). Also called: CHD2-Related Neurodevelopmental Disorders; Epileptic encephalopathy, childhood-onset. Identifiers: Orphanet 1942, Orphanet 2382, MedGen C3809278, MONDO:0014150, OMIM 615369.

Submission:

Juno Genomics, Hangzhou Juno Genomics, Inc
Classification: Uncertain significance for Developmental and epileptic encephalopathy 94. Review status: criteria provided, single submitter. Criteria: ACMG Guidelines, 2015. Collection method: clinical testing. Allele origin: germline.
Comment: Absent from controls (or at extremely low frequency if recessive) in Genome Aggregation Database.;Missense variant in a gene that has a low rate of benign missense variation.